The following is an entry in ClinVar:

ClinVar aggregate classification (germline): Uncertain significance (1 of 4 stars; one submission).

Conditions:
PKD1-related disorder. Also called: PKD1-related condition.

gnomAD v4.1: 34 of 1,609,888 alleles (0.0021%); highest among the groups gnomAD compares: East Asian, 0.067%; no homozygotes.

Submission:

PreventionGenetics, part of Exact Sciences
Classification: Uncertain significance for PKD1-related condition. Last evaluated: 2026-02-12. Review status: criteria provided, single submitter. Criteria: ACMG Guidelines, 2015. Collection method: clinical testing. Allele origin: germline.
Comment: The PKD1 c.12563C>T variant is predicted to result in the amino acid substitution p.Ser4188Phe. This variant has been reported in an individual with polycystic kidney disease however, no additional evidence was provided to support its pathogenicity (Table S1, Kimura et al. 2023. PubMed ID: 37509056). This variant is reported in 0.0055% of alleles in individuals of East Asian descent in gnomAD. At this time, the clinical significance of this variant is uncertain due to the absence of conclusive functional and genetic evidence.

NM_001009944.3(PKD1):c.12563C>T (p.Ser4188Phe)

Gene: PKD1 (polycystin 1, transient receptor potential channel interacting; minus strand). Cytogenetic location: 16p13.3.
Variant type: single nucleotide variant.
Coding change: c.12563C>T on transcript NM_001009944.3 (MANE Select); coding-DNA position 12563, C replaced by T.
Protein change: p.Ser4188Phe; replaces serine 4188 with phenylalanine.
Molecular consequence: missense variant.
Genome position (GRCh38, 1-based): chr16:2,090,076, G>A on the plus strand (C>T on the coding strand, the complement: PKD1 is on the minus strand). VCF-style: chr16-2090076-G-A. GRCh37 (hg19) VCF-style: chr16-2140077-G-A.
Other names: c.12560C>T, p.Ser4187Phe (NM_000296.4); short protein forms S4187F, S4188F.
Identifiers: ClinVar variation 4988772 (VCV004988772.1).
Genomic context (GRCh38, chr16:2,090,076, plus strand): 5'-CACCTTGTCCCCAGCCGGCCCAGGCTCACGCTCAGCCCATCCAGCTGGCTGGAGGAGGTG[G>A]AGGGGTGCGAGGCATCGGAGCCAGCGCTGGGTGGGGGCACATCCGGGGATACCTTGGAGC-3'
Protein context (NP_001009944.3, residues 4178-4198): PSAGSDASHP[Ser4188Phe]TSSSQLDGLS